The following is an entry in ClinVar:

ClinVar aggregate classification (germline): Uncertain significance (1 of 4 stars; one submission).

Allele frequency attached by ClinVar (database versions not stated): gnomAD exomes below 0.00001.
gnomAD v4.1: 6 of 1,607,704 alleles (0.00037%); highest among the groups gnomAD compares: Non-Finnish European, 0.00051%; no homozygotes.

Submission:

Labcorp Genetics (formerly Invitae), Labcorp
Classification: Uncertain significance. Last evaluated: 2022-06-09. Review status: criteria provided, single submitter. Criteria: Invitae Variant Classification Sherloc (09022015). Collection method: clinical testing. Allele origin: germline.
Comment: This variant has not been reported in the literature in individuals affected with CEP78-related conditions. This variant is not present in population databases (gnomAD no frequency). This sequence change replaces histidine, which is basic and polar, with proline, which is neutral and non-polar, at codon 371 of the CEP78 protein (p.His371Pro). Algorithms developed to predict the effect of missense changes on protein structure and function are either unavailable or do not agree on the potential impact of this missense change (SIFT: "Tolerated"; PolyPhen-2: "Possibly Damaging"; Align-GVGD: "Class C0"). In summary, the available evidence is currently insufficient to determine the role of this variant in disease. Therefore, it has been classified as a Variant of Uncertain Significance.

NM_001330691.3(CEP78):c.1109A>C (p.His370Pro)

Gene: CEP78 (centrosomal protein 78; plus strand). Cytogenetic location: 9q21.2.
Variant type: single nucleotide variant.
Coding change: c.1109A>C on transcript NM_001330691.3 (MANE Select); coding-DNA position 1109, A replaced by C.
Protein change: p.His370Pro; replaces histidine 370 with proline.
Molecular consequence: missense variant.
Genome position (GRCh38, 1-based): chr9:78,251,947, A>C. VCF-style: chr9-78251947-A-C. GRCh37 (hg19) VCF-style: chr9-80866863-A-C.
Other names: c.1112A>C, p.His371Pro (NM_001098802.3, NM_001349839.2, NM_001349840.2 and 1 more transcripts); c.1109A>C, p.His370Pro (NM_001330693.3, NM_001330694.2, NM_001349838.2); short protein forms H371P, H370P.
Identifiers: ClinVar variation 2086776 (VCV002086776.4), dbSNP rs1826782492, ClinGen allele CA373858844.